The following is an entry in ClinVar:

NM_001292063.2(OTOG):c.661G>A (p.Val221Ile)

Gene: OTOG (otogelin; plus strand). Cytogenetic location: 11p15.1.
Variant type: single nucleotide variant.
Coding change: c.661G>A on transcript NM_001292063.2 (MANE Select); coding-DNA position 661, G replaced by A.
Protein change: p.Val221Ile; replaces valine 221 with isoleucine.
Molecular consequence: missense variant.
Genome position (GRCh38, 1-based): chr11:17,557,119, G>A. VCF-style: chr11-17557119-G-A. GRCh37 (hg19) VCF-style: chr11-17578666-G-A.
Other names: c.697G>A, p.Val233Ile (NM_001277269.2); short protein forms V221I, V233I.
Identifiers: ClinVar variation 1700410 (VCV001700410.2), dbSNP rs1027403751, ClinGen allele CA218493683.

ClinVar aggregate classification (germline): Uncertain significance (1 of 4 stars; one submission).

gnomAD v4.1: 28 of 1,549,464 alleles (0.0018%); highest among the groups gnomAD compares: African/African-American, 0.032%; no homozygotes.

Submission:

GeneDx
Classification: Uncertain significance. Last evaluated: 2022-02-07. Review status: criteria provided, single submitter. Criteria: GeneDx Variant Classification Process June 2021. Collection method: clinical testing. Allele origin: germline. Affected: yes.
Comment: In silico analysis supports that this missense variant does not alter protein structure/function; Has not been previously published as pathogenic or benign to our knowledge